The following is an entry in ClinVar:

ClinVar aggregate classification (germline): Pathogenic (1 of 4 stars; one submission).

Submission:

Labcorp Genetics (formerly Invitae), Labcorp
Classification: Pathogenic. Last evaluated: 2022-08-16. Review status: criteria provided, single submitter. Criteria: Invitae Variant Classification Sherloc (09022015). Collection method: clinical testing. Allele origin: germline.
Comment: For these reasons, this variant has been classified as Pathogenic. This variant has not been reported in the literature in individuals affected with MPDZ-related conditions. This variant is not present in population databases (gnomAD no frequency). This sequence change creates a premature translational stop signal (p.Lys1188Asnfs*15) in the MPDZ gene. It is expected to result in an absent or disrupted protein product. Loss-of-function variants in MPDZ are known to be pathogenic (PMID: 23240096, 28556411).

Literature cited by the submitters: PubMed 23240096; PubMed 28556411.

NM_001378778.1(MPDZ):c.3564del (p.Lys1188fs)

Gene: MPDZ (multiple PDZ domain crumbs cell polarity complex component; minus strand). Cytogenetic location: 9p23.
Variant type: Deletion.
Coding change: c.3564del on transcript NM_001378778.1 (MANE Select); coding-DNA position 3564, one base deleted (A; older notation c.3564delA).
Protein change: p.Lys1188fs; shifts the reading frame from lysine 1188.
Molecular consequence: frameshift variant.
Genome position (GRCh38, 1-based): chr9:13,150,577, T deleted on the plus strand (A on the coding strand, the reverse complement: MPDZ is on the minus strand); the first of 3 consecutive T bases (chr9:13,150,577-13,150,579); deleting any one gives the same sequence. VCF-style (leftmost placement, unchanged base first): chr9-13150576-GT-G. GRCh37 (hg19) VCF-style: chr9-13150575-GT-G.
Other names: c.3564del, p.Lys1188fs (NM_001261406.2, NM_001261407.2, NM_001330637.2 and 13 more transcripts); c.3366del, p.Lys1122fs (NM_001375427.1); short protein forms K1122fs, K1188fs.
Identifiers: ClinVar variation 2065003 (VCV002065003.4), dbSNP rs2490783211, ClinGen allele CA2580079208.